The following is an entry in ClinVar:

NM_002241.5(KCNJ10):c.53G>A (p.Arg18Gln)

Gene: KCNJ10 (potassium inwardly rectifying channel subfamily J member 10; minus strand). Cytogenetic location: 1q23.2.
Variant type: single nucleotide variant.
Coding change: c.53G>A on transcript NM_002241.5 (MANE Select); coding-DNA position 53, G replaced by A.
Protein change: p.Arg18Gln; replaces arginine 18 with glutamine.
Molecular consequence: missense variant.
Genome position (GRCh38, 1-based): chr1:160,042,480, C>T on the plus strand (G>A on the coding strand, the complement: KCNJ10 is on the minus strand). VCF-style: chr1-160042480-C-T. GRCh37 (hg19) VCF-style: chr1-160012270-C-T.
Other names: short protein forms R18Q.
Identifiers: ClinVar variation 129316 (VCV000129316.59), dbSNP rs115466046, ClinGen allele CA288914.

ClinVar aggregate classification (germline): Conflicting classifications of pathogenicity. Review status: criteria provided, conflicting classifications (1 of 4 stars). 12 submissions from 12 submitters: Uncertain significance (1); Benign (8); Likely benign (1). 2 of the submissions do not count toward it. Last evaluated 2026-09-01.

Conditions:
KCNJ10-related disorder. Also called: KCNJ10-related disorders; KCNJ10-related condition. Identifiers: MedGen CN239321.
Inborn genetic diseases. Identifiers: MedGen C0950123, MeSH D030342.
EAST syndrome (SESAMES). Also called: SEIZURES, SENSORINEURAL DEAFNESS, ATAXIA, IMPAIRED INTELLECTUAL DEVELOPMENT, AND ELECTROLYTE IMBALANCE. Identifiers: Orphanet 199343, MedGen C2748572, MONDO:0013005, OMIM 612780.
Autism (AUTS). Also called: Autistic disorder; Autistic disorder of childhood onset. Identifiers: MedGen C0004352, MeSH D001321, MONDO:0005260, OMIM 209850, HP:0000717.
Intellectual disability. Also called: Intellectual functioning disability; Intellectual developmental disorder; intellectual disabilities. Identifiers: MedGen C3714756, MeSH D008607, MONDO:0001071, HP:0001249.
Seizure. Also called: Seizures. Identifiers: MedGen C0036572, HP:0001250.

Allele frequency attached by ClinVar (database versions not stated): TOPMed 0.00968; 1000 Genomes Project 0.00439; 1000 Genomes Project 30x 0.00468; gnomAD exomes 0.01239 and 0.01521; ExAC 0.01273; ESP Exome Variant Server 0.01330; gnomAD 0.01089 and 0.01096.
gnomAD v4.1: 23,674 of 1,614,106 alleles (1.5%); highest among the groups gnomAD compares: Middle Eastern, 2.4%; 200 homozygotes.

Submissions (12):

CeGaT Center for Human Genetics Tuebingen
Classification: Benign. Last evaluated: 2026-09-01. Review status: criteria provided, single submitter. Criteria: CeGaT Center For Human Genetics Tuebingen Variant Classification Criteria Version 2. Collection method: clinical testing. Allele origin: germline. Affected: yes. Observed: 135 variant alleles.
Comment: KCNJ10: BS1, BS2

Labcorp Genetics (formerly Invitae), Labcorp
Classification: Benign for EAST syndrome. Last evaluated: 2026-02-04. Review status: criteria provided, single submitter. Criteria: Invitae Variant Classification Sherloc (09022015). Collection method: clinical testing. Allele origin: germline.

Mayo Clinic Laboratories, Mayo Clinic
Classification: Benign. Last evaluated: 2025-01-31. Review status: criteria provided, single submitter. Criteria: ACMG Guidelines, 2015. Collection method: clinical testing. Allele origin: germline. Observed: 36 variant alleles.
Comment: BS1, BS2

Athena Diagnostics
Classification: Likely benign. Last evaluated: 2019-05-21. Review status: criteria provided, single submitter. Criteria: Athena Diagnostics Criteria. Collection method: clinical testing. Allele origin: germline.

GeneDx
Classification: Benign. Last evaluated: 2018-11-29. Review status: criteria provided, single submitter. Criteria: GeneDx Variant Classification Process June 2021. Collection method: clinical testing. Allele origin: germline. Affected: yes.
Comment: This variant is associated with the following publications: (PMID: 27535533, 24794859, 21458570, 27884173, 27677466)

Illumina Laboratory Services, Illumina
Classification: Uncertain significance for EAST syndrome. Last evaluated: 2017-04-27. Review status: criteria provided, single submitter. Criteria: ICSL Variant Classification Criteria 13 December 2019. Collection method: clinical testing. Allele origin: germline.
Comment: This variant was observed as part of a predisposition screen in an ostensibly healthy population. A literature search was performed for the gene, cDNA change, and amino acid change (where applicable). Publications were found based on this search. However, the evidence from the literature, in combination with allele frequency data from public databases where available, was not sufficient to rule this variant in or out of causing disease. Therefore, this variant is classified as a variant of unknown significance.

Ambry Genetics
Classification: Benign for Inborn genetic diseases. Last evaluated: 2017-03-21. Review status: criteria provided, single submitter. Criteria: Ambry Variant Classification Scheme 2023. Collection method: clinical testing. Allele origin: germline.

Genomic Diagnostic Laboratory, Division of Genomic Diagnostics, Children's Hospital of Philadelphia
Classification: Benign. Last evaluated: 2015-08-24. Review status: criteria provided, single submitter. Criteria: DGD Variant Analysis Guidelines. Collection method: clinical testing. Allele origin: unknown.

Eurofins Ntd Llc (ga)
Classification: Benign. Last evaluated: 2014-03-18. Review status: criteria provided, single submitter. Criteria: EGL Classification Definitions 2015. Collection method: clinical testing. Allele origin: germline. Observed: 3 variant alleles, 3 heterozygotes.

Broad Center for Mendelian Genomics, Broad Institute of MIT and Harvard
Classification: Benign for Autism; Seizures; Intellectual disability. Review status: criteria provided, single submitter. Criteria: ACMG Guidelines, 2015. Collection method: research. Allele origin: germline. Inheritance: Autosomal recessive inheritance. Affected: yes.
Comment: The heterozygous p.Arg18Gln variant in KCNJ10 has been identified in 2 individuals with autism, seizures, and intellectual disability and segregated with disease in 2 relatives from 1 family (PMID: 21458570). This variant has also been identified in >1% of European (non-Finnish) chromosomes and 11 homozygotes by ExAC. In vitro functional studies provide some evidence that the p.Arg18Gln variant may not impact protein function (PMID: 21458570). However, these types of assays may not accurately represent biological function. In summary, this variant meets criteria to be classified as benign for autism, seizures, and intellectual disability.

PreventionGenetics, part of Exact Sciences
Classification: Benign for KCNJ10-related condition. Last evaluated: 2024-04-16. Review status: no assertion criteria provided. Collection method: clinical testing. Allele origin: germline. Not counted in ClinVar's aggregate classification.
Comment: This variant is classified as benign based on ACMG/AMP sequence variant interpretation guidelines (Richards et al. 2015 PMID: 25741868, with internal and published modifications).

Genetic Services Laboratory, University of Chicago
Classification: Likely benign for AllHighlyPenetrant. Review status: no assertion criteria provided. Collection method: clinical testing. Allele origin: germline. Inheritance: Autosomal recessive inheritance. Not counted in ClinVar's aggregate classification.
Comment: Likely benign based on allele frequency in 1000 Genomes Project or ESP global frequency and its presence in a patient with a rare or unrelated disease phenotype. NOT Sanger confirmed.

Literature cited by the submitters: PubMed 21458570 (cited by 3 submitters); PubMed 23965030 (cited by Mayo Clinic Laboratories, Mayo Clinic and Athena Diagnostics); PubMed 24794859 (cited by Mayo Clinic Laboratories, Mayo Clinic); PubMed 27182706 (cited by Mayo Clinic Laboratories, Mayo Clinic and Athena Diagnostics); PubMed 27535533 (cited by Mayo Clinic Laboratories, Mayo Clinic and Athena Diagnostics); PubMed 27677466 (cited by Mayo Clinic Laboratories, Mayo Clinic and Athena Diagnostics); PubMed 27884173 (cited by Mayo Clinic Laboratories, Mayo Clinic and Athena Diagnostics); PubMed 30304693 (cited by Mayo Clinic Laboratories, Mayo Clinic and Athena Diagnostics); PubMed 29615871 (cited by Athena Diagnostics).